The following is an entry in ClinVar:

NM_021076.4(NEFH):c.421G>A (p.Ala141Thr)

Gene: NEFH (neurofilament heavy chain; plus strand). Cytogenetic location: 22q12.2.
Variant type: single nucleotide variant.
Coding change: c.421G>A on transcript NM_021076.4 (MANE Select); coding-DNA position 421, G replaced by A.
Protein change: p.Ala141Thr; replaces alanine 141 with threonine.
Molecular consequence: missense variant.
Genome position (GRCh38, 1-based): chr22:29,480,683, G>A. VCF-style: chr22-29480683-G-A. GRCh37 (hg19) VCF-style: chr22-29876672-G-A.
Other names: c.421G>A (NM_021076.3); short protein forms A141T.
Identifiers: ClinVar variation 3713053 (VCV003713053.3).
Genomic context (GRCh38, chr22:29,480,683, plus strand): 5'-CACAACCGCAGCCTGGAGGGCGAGGCTGCGGCGCTGCGGCAGCAGCAGGCGGGCCGCTCC[G>A]CTATGGGCGAGCTGTACGAGCGCGAGGTCCGCGAGATGCGCGGCGCGGTGCTGCGCCTGG-3'
Protein context (NP_066554.2, residues 131-151): ALRQQQAGRS[Ala141Thr]MGELYEREVR

ClinVar aggregate classification (germline): Uncertain significance. Review status: criteria provided, multiple submitters, no conflicts (2 of 4 stars). 2 submissions from 2 submitters: Uncertain significance (2). Last evaluated 2025-03-26.

Conditions:
Inborn genetic diseases. Identifiers: MedGen C0950123, MeSH D030342.

gnomAD v4.1: 14 of 1,542,484 alleles (0.00091%); highest among the groups gnomAD compares: African/African-American, 0.0014%; no homozygotes.

Submissions (2):

Labcorp Genetics (formerly Invitae), Labcorp
Classification: Uncertain significance. Last evaluated: 2025-03-26. Review status: criteria provided, single submitter. Criteria: Invitae Variant Classification Sherloc (09022015). Collection method: clinical testing. Allele origin: germline.
Comment: This sequence change replaces alanine, which is neutral and non-polar, with threonine, which is neutral and polar, at codon 141 of the NEFH protein (p.Ala141Thr). The frequency data for this variant in the population databases is considered unreliable, as metrics indicate poor data quality at this position in the gnomAD database. This variant has not been reported in the literature in individuals affected with NEFH-related conditions. Invitae Evidence Modeling of protein sequence and biophysical properties (such as structural, functional, and spatial information, amino acid conservation, physicochemical variation, residue mobility, and thermodynamic stability) indicates that this missense variant is not expected to disrupt NEFH protein function with a negative predictive value of 95%. In summary, the available evidence is currently insufficient to determine the role of this variant in disease. Therefore, it has been classified as a Variant of Uncertain Significance.

Ambry Genetics
Classification: Uncertain significance for Inborn genetic diseases. Last evaluated: 2024-12-14. Review status: criteria provided, single submitter. Criteria: Ambry Variant Classification Scheme 2023. Collection method: clinical testing. Allele origin: germline.